The following is an entry in ClinVar:

ClinVar aggregate classification (germline): Uncertain significance (1 of 4 stars; one submission).

Conditions:
Hereditary breast ovarian cancer syndrome. Also called: Breast and ovarian cancer; BRCA1- and BRCA2-Associated Hereditary Breast and Ovarian Cancer; Hereditary breast and ovarian cancer; Hereditary breast and ovarian cancer syndrome (HBOC); Hereditary breast and/or ovarian cancer syndrome; Hereditary breast and ovarian cancer syndrome. Identifiers: Orphanet 145, MedGen C0677776, MeSH D061325, MONDO:0003582. Disease mechanism: loss of function.

Submission:

Labcorp Genetics (formerly Invitae), Labcorp
Classification: Uncertain significance for Hereditary breast ovarian cancer syndrome. Last evaluated: 2023-07-10. Review status: criteria provided, single submitter. Criteria: Invitae Variant Classification Sherloc (09022015). Collection method: clinical testing. Allele origin: germline.
Comment: In summary, the available evidence is currently insufficient to determine the role of this variant in disease. Therefore, it has been classified as a Variant of Uncertain Significance. Advanced modeling of protein sequence and biophysical properties (such as structural, functional, and spatial information, amino acid conservation, physicochemical variation, residue mobility, and thermodynamic stability) performed at Invitae indicates that this missense variant is not expected to disrupt BRCA2 protein function. ClinVar contains an entry for this variant (Variation ID: 857631). This variant has not been reported in the literature in individuals affected with BRCA2-related conditions. This variant is not present in population databases (gnomAD no frequency). This sequence change replaces proline, which is neutral and non-polar, with threonine, which is neutral and polar, at codon 177 of the BRCA2 protein (p.Pro177Thr).

NM_000059.4(BRCA2):c.529C>A (p.Pro177Thr)

Gene: BRCA2 (BRCA2 DNA repair associated; plus strand). Cytogenetic location: 13q13.1.
Variant type: single nucleotide variant.
Coding change: c.529C>A on transcript NM_000059.4 (MANE Select); coding-DNA position 529, C replaced by A.
Protein change: p.Pro177Thr; replaces proline 177 with threonine.
Molecular consequence: missense variant.
Genome position (GRCh38, 1-based): chr13:32,326,511, C>A. VCF-style: chr13-32326511-C-A. GRCh37 (hg19) VCF-style: chr13-32900648-C-A.
Other names: short protein forms P177T.
Identifiers: ClinVar variation 857631 (VCV000857631.10), dbSNP rs2072349190, ClinGen allele CA387757807.